The following is an entry in ClinVar:

NM_001113378.2(FANCI):c.3849_3853del (p.Ser1284fs)

Gene: FANCI (FA complementation group I; plus strand). Cytogenetic location: 15q26.1.
Variant type: Deletion.
Coding change: c.3849_3853del on transcript NM_001113378.2 (MANE Select); coding-DNA positions 3849 to 3853, 5 bases deleted (CTCAC; older notation c.3849_3853delCTCAC).
Protein change: p.Ser1284fs; shifts the reading frame from serine 1284.
Molecular consequence: frameshift variant.
Genome position (GRCh38, 1-based): chr15:89,315,314-89,315,318, CTCAC deleted; deleting any 5 consecutive bases within chr15:89,315,311-89,315,318 gives the same sequence; the c. name uses the placement nearest the transcript's 3' end. VCF-style (leftmost placement, unchanged base first): chr15-89315310-GCACCT-G. GRCh37 (hg19) VCF-style: chr15-89858541-GCACCT-G.
Other names: c.3570_3574del, p.Ser1191fs (NM_001376910.1); c.3849_3853del, p.Ser1284fs (NM_001376911.1); c.3669_3673del, p.Ser1224fs (NM_018193.3); short protein forms S1191fs, S1284fs, S1224fs.
Identifiers: ClinVar variation 2729466 (VCV002729466.3), dbSNP rs748374119, ClinGen allele CA7723934.

ClinVar aggregate classification (germline): Pathogenic (1 of 4 stars; one submission).

Conditions:
Fanconi anemia (FA). Also called: Fanconi's anemia. Identifiers: Orphanet 84, MedGen C0015625, MeSH D005199, MONDO:0019391.

Submission:

Labcorp Genetics (formerly Invitae), Labcorp
Classification: Pathogenic for Fanconi anemia. Last evaluated: 2025-05-19. Review status: criteria provided, single submitter. Criteria: Invitae Variant Classification Sherloc (09022015). Collection method: clinical testing. Allele origin: germline.
Comment: This sequence change creates a premature translational stop signal (p.Ser1284Argfs*18) in the FANCI gene. While this is not anticipated to result in nonsense mediated decay, it is expected to disrupt the last 45 amino acid(s) of the FANCI protein. This variant is present in population databases (rs748374119, gnomAD 0.0009%). This variant has not been reported in the literature in individuals affected with FANCI-related conditions. ClinVar contains an entry for this variant (Variation ID: 2729466). This variant disrupts a region of the FANCI protein in which other variant(s) (p.Arg1299*) have been determined to be pathogenic (PMID: 17452773, 17460694). This suggests that this is a clinically significant region of the protein, and that variants that disrupt it are likely to be disease-causing. For these reasons, this variant has been classified as Pathogenic.

Literature cited by the submitters: PubMed 17452773; PubMed 17460694.